The following is an entry in ClinVar:

ClinVar aggregate classification (germline): Pathogenic (1 of 4 stars; one submission).

Conditions:
Autosomal recessive limb-girdle muscular dystrophy type 2O. Also called: Limb-Girdle Muscular Dystrophy Type 3C; MUSCULAR DYSTROPHY-DYSTROGLYCANOPATHY (LIMB-GIRDLE), TYPE C, 3; MUSCULAR DYSTROPHY-DYSTROGLYCANOPATHY, LIMB-GIRDLE, POMGNT1-RELATED. Identifiers: Orphanet 206564, MedGen C3150417, MONDO:0013161, OMIM 613157.
Muscular dystrophy-dystroglycanopathy (congenital with impaired intellectual development), type B, 3. Also called: MUSCULAR DYSTROPHY, CONGENITAL, POMGNT1-RELATED; Muscular dystrophy-dystroglycanopathy (congenital with intellectual disability), type B3. Identifiers: MedGen C3150412, MONDO:0013155, OMIM 613151.

Submission:

Labcorp Genetics (formerly Invitae), Labcorp
Classification: Pathogenic for Autosomal recessive limb-girdle muscular dystrophy type 2O; Muscular dystrophy-dystroglycanopathy (congenital with impaired intellectual development), type B, 3. Last evaluated: 2024-01-31. Review status: criteria provided, single submitter. Criteria: Invitae Variant Classification Sherloc (09022015). Collection method: clinical testing. Allele origin: germline.
Comment: This sequence change creates a premature translational stop signal (p.Gly610Alafs*24) in the POMGNT1 gene. While this is not anticipated to result in nonsense mediated decay, it is expected to disrupt the last 51 amino acid(s) of the POMGNT1 protein. This variant is not present in population databases (gnomAD no frequency). This variant has not been reported in the literature in individuals affected with POMGNT1-related conditions. This variant disrupts a region of the POMGNT1 protein in which other variant(s) (p.Val626Serfs*8) have been determined to be pathogenic (PMID: 12788071, 12849864). This suggests that this is a clinically significant region of the protein, and that variants that disrupt it are likely to be disease-causing. For these reasons, this variant has been classified as Pathogenic.

Literature cited by the submitters: PubMed 12788071; PubMed 12849864.

NM_017739.4(POMGNT1):c.1829del (p.Gly610fs)

Genes: TSPAN1 (tetraspanin 1; plus strand), POMGNT1 (protein O-linked mannose N-acetylglucosaminyltransferase 1 (beta 1,2-); minus strand). Cytogenetic location: 1p34.1.
Variant type: Deletion.
Coding change: c.1829del on transcript NM_017739.4 (MANE Select); coding-DNA position 1829, one base deleted (G; older notation c.1829delG).
Protein change: p.Gly610fs; shifts the reading frame from glycine 610.
Molecular consequence: frameshift variant.
Genome position (GRCh38, 1-based): chr1:46,189,524, C deleted on the plus strand (G on the coding strand, the reverse complement: POMGNT1 is on the minus strand); the first of 4 consecutive C bases (chr1:46,189,524-46,189,527); deleting any one gives the same sequence. VCF-style (leftmost placement, unchanged base first): chr1-46189523-GC-G. GRCh37 (hg19) VCF-style: chr1-46655195-GC-G.
Other names: c.1829del, p.Gly610fs (NM_001243766.2, NM_001410783.1); c.1760delG, p.Gly588Alafs (NM_001290129.3); c.1400del, p.Gly467fs (NM_001290130.2); short protein forms G467fs, G588fs, G610fs.
Identifiers: ClinVar variation 2922731 (VCV002922731.3), dbSNP rs2525336277, ClinGen allele CA2740090688.